The following is an entry in ClinVar:

NC_012920.1(MT-ND5):m.12950A>G

Gene: MT-ND5 (mitochondrially encoded NADH dehydrogenase 5; plus strand).
Variant type: single nucleotide variant.
Genome position: chrM-12950-A-G.
Identifiers: ClinVar variation 693504 (VCV000693504.1), dbSNP rs201361958, ClinGen allele CA337099581.

ClinVar aggregate classification (germline): Benign (1 of 4 stars; one submission).

Conditions:
Leigh syndrome (NULS). Also called: Leigh's necrotizing encephalopathy; Leigh's disease; Leigh Syndrome (mtDNA deletion); Leigh Disease; Subacute necrotizing encephalopathy; Necrotizing encephalopathy infantile subacute of Leigh. Identifiers: Orphanet 506, MedGen C2931891, MONDO:0009723, OMIM 256000.

Submission:

Wong Mito Lab, Molecular and Human Genetics, Baylor College of Medicine
Classification: Benign for Leigh syndrome. Last evaluated: 2019-10-17. Review status: criteria provided, single submitter. Criteria: Modified ACMG Guidelines (Unpublished). Collection method: clinical testing. Allele origin: germline.
Comment: The NC_012920.1:m.12950A>G (YP_003024036.1:p.Asn205Ser) variant in MTND5 gene is interpretated to be a Benign variant based on the modified ACMG guidelines (unpublished). This variant meets the following evidence codes: BS1, BS2

Literature cited by the submitters: PubMed 17003408.